The following is an entry in ClinVar:

NM_000276.4(OCRL):c.1586C>A (p.Ala529Asp)

Gene: OCRL (OCRL inositol polyphosphate-5-phosphatase; plus strand). Cytogenetic location: Xq26.1.
Variant type: single nucleotide variant.
Coding change: c.1586C>A on transcript NM_000276.4 (MANE Select); coding-DNA position 1586, C replaced by A.
Protein change: p.Ala529Asp; replaces alanine 529 with aspartic acid.
Molecular consequence: missense variant.
Genome position (GRCh38, 1-based): chrX:129,569,383, C>A. VCF-style: chrX-129569383-C-A. GRCh37 (hg19) VCF-style: chrX-128703360-C-A.
Other names: c.1589C>A, p.Ala530Asp (NM_001318784.2); c.1586C>A, p.Ala529Asp (NM_001587.4); short protein forms A529D, A530D.
Identifiers: ClinVar variation 2431578 (VCV002431578.1), dbSNP rs2521906505, ClinGen allele CA414616558.

ClinVar aggregate classification (germline): Uncertain significance (1 of 4 stars; one submission).

Conditions:
Lowe syndrome (OCRL). Also called: LOWE OCULOCEREBRORENAL SYNDROME; PHOSPHATIDYLINOSITOL 4,5-BISPHOSPHATE 5-PHOSPHATASE DEFICIENCY; Oculocerebrorenal Syndrome. Identifiers: Orphanet 534, MedGen C0028860, MONDO:0010645, OMIM 309000.

Submission:

Laboratorio de Genetica e Diagnostico Molecular, Hospital Israelita Albert Einstein
Classification: Uncertain significance for Lowe syndrome. Last evaluated: 2022-09-16. Review status: criteria provided, single submitter. Criteria: ACMG Guidelines, 2015. Collection method: clinical testing. Allele origin: germline. Affected: yes. Observed: 1 variant allele.
Comment: ACMG classification criteria: PM2 moderated, PP3 supporting